The following is an entry in ClinVar:

ClinVar aggregate classification (germline): Conflicting classifications of pathogenicity. Review status: criteria provided, conflicting classifications (1 of 4 stars). 8 submissions from 8 submitters: Uncertain significance (2); Benign (1); Likely benign (5). Last evaluated 2025-07-30.

Conditions:
Tuberous sclerosis 2 (TSC2). Identifiers: Orphanet 805, MedGen C1860707, MONDO:0013199, OMIM 613254.
Tuberous sclerosis syndrome (TSC). Also called: Tuberous Sclerosis Complex; Tuberous sclerosis. Identifiers: Orphanet 805, MedGen C0041341, MONDO:0001734.
Hereditary cancer-predisposing syndrome. Also called: Tumor predisposition; Hereditary Cancer Syndrome; Neoplastic Syndromes, Hereditary; Hereditary neoplastic syndrome. Identifiers: Orphanet 140162, MedGen C0027672, MeSH D009386, MONDO:0015356.

Allele frequency attached by ClinVar (database versions not stated): gnomAD exomes 0.00001.
gnomAD v4.1: 5 of 1,612,852 alleles (0.00031%); highest among the groups gnomAD compares: East Asian, 0.011%; no homozygotes.

Submissions (8):

Labcorp Genetics (formerly Invitae), Labcorp
Classification: Benign for Tuberous sclerosis 2. Last evaluated: 2025-07-30. Review status: criteria provided, single submitter. Criteria: Invitae Variant Classification Sherloc (09022015). Collection method: clinical testing. Allele origin: germline.

Ambry Genetics
Classification: Uncertain significance for Hereditary cancer-predisposing syndrome. Last evaluated: 2024-09-04. Review status: criteria provided, single submitter. Criteria: Ambry Variant Classification Scheme 2023. Collection method: clinical testing. Allele origin: germline.
Comment: The p.H1773R variant (also known as c.5318A>G), located in coding exon 41 of the TSC2 gene, results from an A to G substitution at nucleotide position 5318. The histidine at codon 1773 is replaced by arginine, an amino acid with highly similar properties. This amino acid position is not well conserved in available vertebrate species. In addition, the in silico prediction for this alteration is inconclusive. Based on the available evidence, the clinical significance of this variant remains unclear.

Myriad Genetics, Inc.
Classification: Likely benign for Tuberous sclerosis 2. Last evaluated: 2024-08-23. Review status: criteria provided, single submitter. Criteria: Myriad Autosomal Dominant, Autosomal Recessive and X-Linked Classification Criteria (2023). Collection method: clinical testing. Allele origin: unknown.
Comment: This variant is considered likely benign. This variant has been observed at a population frequency that is significantly greater than expected given the associated disease prevalence and penetrance.

All of Us Research Program, National Institutes of Health
Classification: Likely benign for Tuberous sclerosis syndrome. Last evaluated: 2024-02-22. Review status: criteria provided, single submitter. Criteria: ACMG Guidelines, 2015. Collection method: clinical testing. Allele origin: germline. Inheritance: Autosomal dominant inheritance. Observed: 1 variant allele, 1 heterozygote.
Comment: This study involves interpretation of variants in research participants for the purpose of population health screening. Participant phenotype was not available at the time of variant classification. Additional details can be found in publication PMID: 35346344, PMCID: PMC8962531

Color Diagnostics, LLC DBA Color Health
Classification: Likely benign for Tuberous sclerosis syndrome. Last evaluated: 2024-02-14. Review status: criteria provided, single submitter. Criteria: ACMG Guidelines, 2015. Collection method: clinical testing. Allele origin: germline.

Genome-Nilou Lab
Classification: Likely benign for Tuberous sclerosis 2. Last evaluated: 2021-11-07. Review status: criteria provided, single submitter. Criteria: ACMG Guidelines, 2015. Collection method: clinical testing. Allele origin: germline. Affected: no.

GeneDx
Classification: Likely benign. Last evaluated: 2019-08-26. Review status: criteria provided, single submitter. Criteria: GeneDx Variant Classification Process June 2021. Collection method: clinical testing. Allele origin: germline. Affected: yes.
Comment: In silico analysis, which includes protein predictors and evolutionary conservation, supports that this variant does not alter protein structure/function; Has not been previously published as pathogenic or benign to our knowledge

CeGaT Center for Human Genetics Tuebingen
Classification: Uncertain significance. Last evaluated: 2019-07-01. Review status: criteria provided, single submitter. Criteria: CeGaT Center For Human Genetics Tuebingen Variant Classification Criteria Version 2. Collection method: clinical testing. Allele origin: germline. Affected: yes. Observed: 1 variant allele.

NM_000548.5(TSC2):c.5318A>G (p.His1773Arg)

Gene: TSC2 (TSC complex subunit 2; plus strand). Cytogenetic location: 16p13.3.
Variant type: single nucleotide variant.
Coding change: c.5318A>G on transcript NM_000548.5 (MANE Select); coding-DNA position 5318, A replaced by G.
Protein change: p.His1773Arg; replaces histidine 1773 with arginine.
Molecular consequence: missense variant.
Genome position (GRCh38, 1-based): chr16:2,088,504, A>G. VCF-style: chr16-2088504-A-G. GRCh37 (hg19) VCF-style: chr16-2138505-A-G.
Other names: c.5117A>G, p.His1706Arg (NM_001077183.3); c.5249A>G, p.His1750Arg (NM_001114382.3); c.5009A>G, p.His1670Arg (NM_001318827.2); c.4973A>G, p.His1658Arg (NM_001318829.2); c.4586A>G, p.His1529Arg (NM_001318831.2); c.5150A>G, p.His1717Arg (NM_001318832.2); c.5120A>G, p.His1707Arg (NM_001363528.2); c.5186A>G, p.His1729Arg (NM_001370404.1); and 2 more; short protein forms H1773R, H1658R, H1670R, H1706R, H1729R, H1726R, H1730R, H1707R.
Identifiers: ClinVar variation 238083 (VCV000238083.59), dbSNP rs45517418, ClinGen allele CA10583346.